The following is an entry in ClinVar:

ClinVar aggregate classification (germline): Uncertain significance. Review status: criteria provided, multiple submitters, no conflicts (2 of 4 stars). 2 submissions from 2 submitters: Uncertain significance (2). Last evaluated 2025-10-21.

gnomAD v4.1: 2 of 1,614,062 alleles (0.00012%); highest among the groups gnomAD compares: Non-Finnish European, 0.00017%; no homozygotes.

Submissions (2):

Labcorp Genetics (formerly Invitae), Labcorp
Classification: Uncertain significance. Last evaluated: 2025-10-21. Review status: criteria provided, single submitter. Criteria: Invitae Variant Classification Sherloc (09022015). Collection method: clinical testing. Allele origin: germline.
Comment: This sequence change replaces glutamic acid, which is acidic and polar, with glutamine, which is neutral and polar, at codon 1479 of the ABCC6 protein (p.Glu1479Gln). This variant is not present in population databases (gnomAD no frequency). This variant has not been reported in the literature in individuals affected with ABCC6-related conditions. Invitae Evidence Modeling of protein sequence and biophysical properties (such as structural, functional, and spatial information, amino acid conservation, physicochemical variation, residue mobility, and thermodynamic stability) has been performed for this missense variant. However, the output from this modeling did not meet the statistical confidence thresholds required to predict the impact of this variant on ABCC6 protein function. In summary, the available evidence is currently insufficient to determine the role of this variant in disease. Therefore, it has been classified as a Variant of Uncertain Significance.

Blueprint Genetics
Classification: Uncertain significance. Last evaluated: 2024-09-19. Review status: criteria provided, single submitter. Criteria: ACMG Guidelines, 2015. Collection method: clinical testing. Allele origin: germline.

NM_001171.6(ABCC6):c.4435G>C (p.Glu1479Gln)

Gene: ABCC6 (ATP binding cassette subfamily C member 6; minus strand). Cytogenetic location: 16p13.11.
Variant type: single nucleotide variant.
Coding change: c.4435G>C on transcript NM_001171.6 (MANE Select); coding-DNA position 4435, G replaced by C.
Protein change: p.Glu1479Gln; replaces glutamic acid 1479 with glutamine.
Molecular consequence: missense variant. On other transcripts: non-coding transcript variant (4).
Genome position (GRCh38, 1-based): chr16:16,150,210, C>G on the plus strand (G>C on the coding strand, the complement: ABCC6 is on the minus strand). VCF-style: chr16-16150210-C-G. GRCh37 (hg19) VCF-style: chr16-16244067-C-G.
Other names: c.4093G>C, p.Glu1365Gln (NM_001351800.1); c.4402G>C, p.Glu1468Gln (NM_001440309.1); c.4267G>C, p.Glu1423Gln (NM_001440310.1); short protein forms E1479Q, E1423Q, E1365Q, E1468Q.
Identifiers: ClinVar variation 4776017 (VCV004776017.2).
Genomic context (GRCh38, chr16:16,150,210, plus strand): 5'-CCTGGGCCAGTCTGTAAAACAGGCCCTTCTGGGCCAGCAGCTGGGCCGGGCTGCCGCTCT[C>G]TGCCACCTGCCCCTTGTCCATGACCAGAACCCTGTGGGGGAGAGGGAGACAGAGAGGCTC-3'
Protein context (NP_001162.5, residues 1469-1489): VLVMDKGQVA[Glu1479Gln]SGSPAQLLAQ